The following is an entry in ClinVar:

ClinVar aggregate classification (germline): Uncertain significance. Review status: criteria provided, multiple submitters, no conflicts (2 of 4 stars). 6 submissions from 6 submitters: Uncertain significance (5). 1 of the submissions does not count toward it. Last evaluated 2023-05-19.

Conditions:
Becker muscular dystrophy (BMD). Also called: MUSCULAR DYSTROPHY, PSEUDOHYPERTROPHIC PROGRESSIVE, BECKER TYPE; Becker Muscular Dystrophy (BMD). Identifiers: Orphanet 98895, MedGen C0917713, MONDO:0010311, OMIM 300376.
Duchenne muscular dystrophy (DMD). Also called: MUSCULAR DYSTROPHY, PSEUDOHYPERTROPHIC PROGRESSIVE, DUCHENNE TYPE; Duchenne Muscular Dystrophy (DMD). Identifiers: Orphanet 98896, MedGen C0013264, MONDO:0010679, OMIM 310200.

Allele frequency attached by ClinVar (database versions not stated): gnomAD exomes 0.00001.
gnomAD v4.1: 12 of 1,205,949 alleles (0.001%); highest among the groups gnomAD compares: Admixed American, 0.0022%; no homozygotes.

Submissions (6):

GeneDx
Classification: Uncertain significance. Last evaluated: 2023-05-19. Review status: criteria provided, single submitter. Criteria: GeneDx Variant Classification Process June 2021. Collection method: clinical testing. Allele origin: germline. Affected: yes.
Comment: No additional neuromuscular or cardiac findings were observed and only analysis of the DMD gene was completed.; In silico analysis supports that this missense variant does not alter protein structure/function; Not observed at significant frequency in large population cohorts (gnomAD); This variant is associated with the following publications: (PMID: 29610182, 8281150, 26350204, 25525159)

Women's Health and Genetics/Laboratory Corporation of America, LabCorp
Classification: Uncertain significance. Last evaluated: 2022-11-25. Review status: criteria provided, single submitter. Criteria: LabCorp Variant Classification Summary - May 2015. Collection method: clinical testing. Allele origin: germline.
Comment: Variant summary: DMD c.10262C>T (p.Ala3421Val) results in a non-conservative amino acid change located in the Carboxy-terminal domain of the encoded protein sequence. Three of five in-silico tools predict a benign effect of the variant on protein function. The variant alters the last nucleotide of exon 71 adjacent to the canonical splice donor site in Intron 71. 4/4 computational tools predict no significant impact on normal splicing. However, these predictions have yet to be confirmed by functional studies. The variant allele was found at a frequency of 1.1e-05 in 179063 control chromosomes (gnomAD). The available data on variant occurrences in the general population are insufficient to allow any conclusion about variant significance. c.10262C>T has been reported in the literature in an individual with a reported diagnosis of BMD without mental retardation (Lenk_1993), Intellectual disability in the UK10K dataset (Grozeva_2015), and ID/autism with elevated CPK levels in a pediatric setting (Allen_2018). These reports do not provide unequivocal conclusions about association of the variant with Dystrophinopathies. One publication reports experimental evidence evaluating an impact on protein function and showed that this variant exhibited impaired interactions with a long noncoding RNA H19 (Zhang_2020). However, this result does not allow convincing conclusions about the pathogenic role of this variant. Three ClinVar submitters have assessed the variant since 2014: all have classified the variant as of uncertain significance. Based on the evidence outlined above, the variant was classified as uncertain significance.

Revvity Omics, Revvity
Classification: Uncertain significance. Last evaluated: 2022-02-25. Review status: criteria provided, single submitter. Criteria: ACMG Guidelines, 2015. Collection method: clinical testing. Allele origin: germline.

Labcorp Genetics (formerly Invitae), Labcorp
Classification: Uncertain significance for Duchenne muscular dystrophy. Last evaluated: 2021-08-31. Review status: criteria provided, single submitter. Criteria: Invitae Variant Classification Sherloc (09022015). Collection method: clinical testing. Allele origin: germline.
Comment: This sequence change replaces alanine with valine at codon 3421 of the DMD protein (p.Ala3421Val). The alanine residue is highly conserved and there is a small physicochemical difference between alanine and valine. This variant is not present in population databases (ExAC no frequency). This missense change has been observed in individual(s) with clinical features of DMD-related conditions (PMID: 8281150, 26350204). This variant is also known as c.10238C>T (p.Ala3413Val). ClinVar contains an entry for this variant (Variation ID: 11276). Algorithms developed to predict the effect of missense changes on protein structure and function output the following: SIFT: "Tolerated"; PolyPhen-2: "Possibly Damaging"; Align-GVGD: "Class C25". The valine amino acid residue is found in multiple mammalian species, which suggests that this missense change does not adversely affect protein function. Algorithms developed to predict the effect of sequence changes on RNA splicing suggest that this variant may disrupt the consensus splice site. In summary, the available evidence is currently insufficient to determine the role of this variant in disease. Therefore, it has been classified as a Variant of Uncertain Significance.

Eurofins Ntd Llc (ga)
Classification: Uncertain significance. Last evaluated: 2015-09-18. Review status: criteria provided, single submitter. Criteria: EGL Classification Definitions 2015. Collection method: clinical testing. Allele origin: germline. Observed: 1 variant allele, 1 hemizygote.

OMIM
Classification: Pathogenic for BECKER MUSCULAR DYSTROPHY. Last evaluated: 1993-11-01. Review status: no assertion criteria provided. Collection method: literature only. Allele origin: germline. Not counted in ClinVar's aggregate classification.

Literature cited by the submitters: PubMed 29610182 (cited by Women's Health and Genetics/Laboratory Corporation of America, LabCorp); PubMed 26350204 (cited by Women's Health and Genetics/Laboratory Corporation of America, LabCorp and Labcorp Genetics (formerly Invitae), Labcorp); PubMed 8281150 (cited by 3 submitters); PubMed 33106653 (cited by Women's Health and Genetics/Laboratory Corporation of America, LabCorp); PubMed 8301652 (cited by OMIM).

NM_004006.3(DMD):c.10262C>T (p.Ala3421Val)

Gene: DMD (dystrophin; minus strand). Cytogenetic location: Xp21.2.
Variant type: single nucleotide variant.
Coding change: c.10262C>T on transcript NM_004006.3 (MANE Select); coding-DNA position 10262, C replaced by T.
Protein change: p.Ala3421Val; replaces alanine 3421 with valine.
Molecular consequence: missense variant. On other transcripts: intron variant (5).
Genome position (GRCh38, 1-based): chrX:31,177,932, G>A on the plus strand (C>T on the coding strand, the complement: DMD is on the minus strand). VCF-style: chrX-31177932-G-A. GRCh37 (hg19) VCF-style: chrX-31196049-G-A.
Other names: c.10238C>T, p.Ala3413Val (NM_000109.4); c.10250C>T, p.Ala3417Val (NM_004009.3); c.9893C>T, p.Ala3298Val (NM_004010.3); c.6239C>T, p.Ala2080Val (NM_004011.4); c.6230C>T, p.Ala2077Val (NM_004012.4); c.2882C>T, p.Ala961Val (NM_004013.3, NM_004021.3); c.2075C>T, p.Ala692Val (NM_004014.3); c.1058C>T, p.Ala353Val (NM_004015.3, NM_004016.3); and 2 more; short protein forms A3421V, A3413V, A2080V, A3298V, A2077V, A353V, A692V, A961V.
Identifiers: ClinVar variation 11276 (VCV000011276.17), dbSNP rs104894791, ClinGen allele CA255767.